The following is an entry in ClinVar:

ClinVar aggregate classification (germline): Conflicting classifications of pathogenicity. Review status: criteria provided, conflicting classifications (1 of 4 stars). 18 submissions from 16 submitters: Uncertain significance (11); Benign (2); Likely benign (4). 1 of the submissions does not count toward it. Last evaluated 2026-05-26.

Conditions:
KIT-related disorder. Also called: KIT-related condition.
Hereditary skin disorder. Also called: Genetic skin disorder. Identifiers: MedGen CN323672, MONDO:0100118.
Mastocytosis. Also called: Mast Cell Disease. Identifiers: Orphanet 98292, MedGen C0024899, MONDO:0007950, HP:0100495.
Hereditary cancer-predisposing syndrome. Also called: Tumor predisposition; Hereditary Cancer Syndrome; Neoplastic Syndromes, Hereditary; Hereditary neoplastic syndrome. Identifiers: Orphanet 140162, MedGen C0027672, MeSH D009386, MONDO:0015356.
Gastrointestinal stromal tumor. Also called: Gastrointestinal stromal tumor, somatic; Gastrointestinal stroma tumor. Identifiers: Orphanet 44890, MedGen C0238198, MeSH D046152, MONDO:0011719, OMIM 606764, HP:0100723.
Piebaldism. Also called: Piebald skin depigmentation. Identifiers: Orphanet 2884, MedGen C0080024, MONDO:0008244, OMIM 172800, HP:0007544.
Malignant tumor of testis. Also called: Testicular cancer. Identifiers: MedGen C0153594, MONDO:0005447.
Acute myeloid leukemia (AML). Also called: Acute myeloid leukemia, adult; AML adult; Acute non-lymphocytic leukemia; Acute granulocytic leukemia; Leukemia, acute myelogenous, somatic; Leukemia, acute myeloid, somatic. Identifiers: Orphanet 519, MedGen C0023467, MeSH D015470, MONDO:0018874, OMIM 601626, HP:0004808. Disease mechanism: Constitutively activated FLT3.

Allele frequency attached by ClinVar (database versions not stated): gnomAD 0.00043 and 0.00045; TOPMed 0.00052; ESP Exome Variant Server 0.00015; ExAC 0.00027.
gnomAD v4.1: 439 of 1,614,224 alleles (0.027%); highest among the groups gnomAD compares: Middle Eastern, 0.12%; 1 homozygote.

Submissions (18):

Myriad Genetics, Inc.
Classification: Likely benign for Gastrointestinal stromal tumor. Last evaluated: 2026-05-26. Review status: criteria provided, single submitter. Criteria: Myriad Autosomal Dominant, Autosomal Recessive and X-Linked Classification Criteria (2023). Collection method: clinical testing. Allele origin: unknown.
Comment: This variant is considered likely benign. This variant has been observed at a population frequency that is significantly greater than expected given the associated disease prevalence and penetrance.

Labcorp Genetics (formerly Invitae), Labcorp
Classification: Likely benign for Gastrointestinal stromal tumor. Last evaluated: 2026-01-29. Review status: criteria provided, single submitter. Criteria: Invitae Variant Classification Sherloc (09022015). Collection method: clinical testing. Allele origin: germline.

Dasa
Classification: Uncertain significance. Last evaluated: 2025-09-22. Review status: criteria provided, single submitter. Criteria: DASA Assertion Criteria. Collection method: clinical testing. Allele origin: germline.
Comment: NM_000222.3(KIT):c.200C>G (p.Thr67Ser) is a missense variant that results in the substitution of threonine with serine. Multiple computational predictions suggest no deleterious effect on the gene or gene product. The variant is present at low frequency in population datasets. Based on the available data, this variant is classified as variant of uncertain significance.

ARUP Laboratories, Molecular Genetics and Genomics, ARUP Laboratories
Classification: Uncertain significance. Last evaluated: 2025-05-06. Review status: criteria provided, single submitter. Criteria: ARUP Molecular Germline Variant Investigation Process 2024. Collection method: clinical testing. Allele origin: germline.
Comment: The KIT c.200C>G; p.Thr67Ser variant (rs144933028, ClinVar Variation ID: 237252) is reported in the literature in individuals affected with lymphoma (Lim 2019), endometrial cancer (Passarelli 2023), and epithelioid carcinoma (Rosenberg 2024). However, it is uncertain whether this variant is causative in these cases as it co-occurs with several other variants. This variant is found in the general population with an overall allele frequency of 0.03% (86/282,652 alleles, including 1 homozygote) in the Genome Aggregation Database (v2.1.1). Computational analyses predict that this variant is neutral (REVEL: 0.055). Due to limited information, the clinical significance of this variant is uncertain at this time. References: Lim MS et al. Molecular Genetics in the Diagnosis and Biology of Lymphoid Neoplasms. Am J Clin Pathol. 2019 Aug 1;152(3):277-301. PMID: 31278738. Passarelli A et al. The way to precision medicine in gynecologic cancers: The first case report of an exceptional response to alpelisib in a PIK3CA-mutated endometrial cancer. Front Oncol. 2023 Jan 13;12:1088962. PMID: 36713525. Rosenberg A et al. Malignant Epithelioid Neoplasm versus Dedifferentiated Malignant Melanoma: A Case Report. Diseases. 2024 Aug 24;12(9):196. PMID: 39329865.

Mayo Clinic Laboratories, Mayo Clinic
Classification: Uncertain significance. Last evaluated: 2025-02-21. Review status: criteria provided, single submitter. Criteria: ACMG Guidelines, 2015. Collection method: clinical testing. Allele origin: germline. Observed: 1 variant allele.
Comment: BP4

Blueprint Genetics
Classification: Likely benign. Last evaluated: 2024-11-07. Review status: criteria provided, single submitter. Criteria: ACMG Guidelines, 2015. Collection method: clinical testing. Allele origin: germline.

Ambry Genetics
Classification: Benign for Hereditary cancer-predisposing syndrome. Last evaluated: 2024-08-20. Review status: criteria provided, single submitter. Criteria: Ambry Variant Classification Scheme 2023. Collection method: clinical testing. Allele origin: germline.

GeneDx
Classification: Uncertain significance. Last evaluated: 2023-07-11. Review status: criteria provided, single submitter. Criteria: GeneDx Variant Classification Process June 2021. Collection method: clinical testing. Allele origin: germline. Affected: yes.
Comment: In silico analysis supports that this missense variant does not alter protein structure/function; Has not been previously published as pathogenic or benign to our knowledge

St. Jude Molecular Pathology, St. Jude Children's Research Hospital
Classification: Uncertain significance for Gastrointestinal stromal tumor. Last evaluated: 2023-01-24. Review status: criteria provided, single submitter. Criteria: St. Jude Assertion Criteria 2020. Collection method: clinical testing. Allele origin: germline.
Comment: The KIT c.200C>G (p.Thr67Ser) missense change has a maximum subpopulation frequency of 0.065% in gnomAD v2.1.1. The in silico tool REVEL predicts a benign effect on protein function, but to our knowledge this prediction has not been confirmed by functional studies. To our knowledge, this variant has not been reported in individuals with KIT-related gastrointestinal stromal tumor. In summary, the evidence currently available is insufficient to determine the clinical significance of this variant. It has therefore been classified as of uncertain significance.

CeGaT Center for Human Genetics Tuebingen
Classification: Benign. Last evaluated: 2022-10-01. Review status: criteria provided, single submitter. Criteria: CeGaT Center For Human Genetics Tuebingen Variant Classification Criteria Version 2. Collection method: clinical testing. Allele origin: germline. Affected: yes. Observed: 1 variant allele.
Comment: KIT: BS1, BS2

Institute for Clinical Genetics, University Hospital TU Dresden, University Hospital TU Dresden
Classification: Uncertain significance. Last evaluated: 2021-11-03. Review status: criteria provided, single submitter. Criteria: ACMG Guidelines, 2015. Collection method: clinical testing. Allele origin: germline.

Cambridge Genomics Laboratory, East Genomic Laboratory Hub, NHS Genomic Medicine Service
Classification: Uncertain significance for Hereditary skin disorder. Last evaluated: 2020-06-08. Review status: criteria provided, single submitter. Criteria: ACGS Best Practice Guidelines for Variant Classification in Rare Disease 2020. Collection method: clinical testing. Allele origin: germline. Affected: yes. Observed: 1 variant allele.

Fulgent Genetics
Classification: Uncertain significance for Cutaneous mastocytosis; Piebaldism; Germ cell tumor of testis; Acute myeloid leukemia; Gastrointestinal stromal tumor. Last evaluated: 2018-10-31. Review status: criteria provided, single submitter. Criteria: ACMG Guidelines, 2015. Collection method: clinical testing. Allele origin: unknown.

Illumina Laboratory Services, Illumina
Classification: Uncertain significance for Piebaldism. Last evaluated: 2018-01-13. Review status: criteria provided, single submitter. Criteria: ICSL Variant Classification Criteria 13 December 2019. Collection method: clinical testing. Allele origin: germline.

Illumina Laboratory Services, Illumina
Classification: Uncertain significance for Gastrointestinal stromal tumor. Last evaluated: 2018-01-13. Review status: criteria provided, single submitter. Criteria: ICSL Variant Classification Criteria 13 December 2019. Collection method: clinical testing. Allele origin: germline.

Illumina Laboratory Services, Illumina
Classification: Likely benign for Cutaneous mastocytosis. Last evaluated: 2018-01-13. Review status: criteria provided, single submitter. Criteria: ICSL Variant Classification Criteria 13 December 2019. Collection method: clinical testing. Allele origin: germline.
Comment: This variant was observed in the ICSL laboratory as part of a predisposition screen in an ostensibly healthy population. It had not been previously curated by ICSL or reported in the Human Gene Mutation Database (HGMD: prior to June 1st, 2018), and was therefore a candidate for classification through an automated scoring system. Utilizing variant allele frequency, disease prevalence and penetrance estimates, and inheritance mode, an automated score was calculated to assess if this variant is too frequent to cause the disease. Based on the score and internal cut-off values, a variant classified as likely benign is not then subjected to further curation. The score for this variant resulted in a classification of likely benign for this disease.

Genetic Services Laboratory, University of Chicago
Classification: Uncertain significance. Last evaluated: 2016-11-21. Review status: criteria provided, single submitter. Criteria: ACMG Guidelines, 2015. Collection method: clinical testing. Allele origin: germline. Affected: no.

PreventionGenetics, part of Exact Sciences
Classification: Likely benign for KIT-related condition. Last evaluated: 2022-03-22. Review status: no assertion criteria provided. Collection method: clinical testing. Allele origin: germline. Not counted in ClinVar's aggregate classification.
Comment: This variant is classified as likely benign based on ACMG/AMP sequence variant interpretation guidelines (Richards et al. 2015 PMID: 25741868, with internal and published modifications).

NM_000222.3(KIT):c.200C>G (p.Thr67Ser)

Gene: KIT (KIT proto-oncogene, receptor tyrosine kinase; plus strand). Cytogenetic location: 4q12.
Variant type: single nucleotide variant.
Coding change: c.200C>G on transcript NM_000222.3 (MANE Select); coding-DNA position 200, C replaced by G.
Protein change: p.Thr67Ser; replaces threonine 67 with serine.
Molecular consequence: missense variant.
Genome position (GRCh38, 1-based): chr4:54,695,644, C>G. VCF-style: chr4-54695644-C-G. GRCh37 (hg19) VCF-style: chr4-55561810-C-G.
Other names: p.Thr67Ser; c.200C>G, p.Thr67Ser (NM_001093772.2, NM_001385284.1, NM_001385285.1 and 4 more transcripts); short protein forms T67S.
Identifiers: ClinVar variation 237252 (VCV000237252.64), dbSNP rs144933028, ClinGen allele CA2923187.